The following is an entry in ClinVar:

NM_001999.4(FBN2):c.110C>A (p.Pro37Gln)

Gene: FBN2 (fibrillin 2; minus strand). Cytogenetic location: 5q23.3.
Variant type: single nucleotide variant.
Coding change: c.110C>A on transcript NM_001999.4 (MANE Select); coding-DNA position 110, C replaced by A.
Protein change: p.Pro37Gln; replaces proline 37 with glutamine.
Molecular consequence: missense variant.
Genome position (GRCh38, 1-based): chr5:128,537,494, G>T on the plus strand (C>A on the coding strand, the complement: FBN2 is on the minus strand). VCF-style: chr5-128537494-G-T. GRCh37 (hg19) VCF-style: chr5-127873187-G-T.
Other names: short protein forms P37Q.
Identifiers: ClinVar variation 193220 (VCV000193220.25), dbSNP rs201255083, ClinGen allele CA238729.

ClinVar aggregate classification (germline): Conflicting classifications of pathogenicity. Review status: criteria provided, conflicting classifications (1 of 4 stars). 9 submissions from 9 submitters: Uncertain significance (1); Benign (1); Likely benign (5). 2 of the submissions do not count toward it. Last evaluated 2026-01-20.

Conditions:
Congenital contractural arachnodactyly (CCA). Also called: BEALS SYNDROME; Beals-Hecht syndrome; Arthrogryposis, distal, type 9. Identifiers: Orphanet 115, MedGen C0220668, MONDO:0007363, OMIM 121050.
Familial thoracic aortic aneurysm and aortic dissection (TAAD). Also called: Thoracic aortic aneurysms and dissections. Identifiers: Orphanet 91387, MedGen C4707243, MONDO:0019625.

Allele frequency attached by ClinVar (database versions not stated): gnomAD exomes 0.00026; ExAC 0.00031; 1000 Genomes Project 0.00080; 1000 Genomes Project 30x 0.00094; gnomAD 0.00100 and 0.00110; ESP Exome Variant Server 0.00126; TOPMed 0.00127.
gnomAD v4.1: 303 of 1,585,714 alleles (0.019%); highest among the groups gnomAD compares: African/African-American, 0.36%; no homozygotes.

Submissions (9):

Labcorp Genetics (formerly Invitae), Labcorp
Classification: Likely benign for Congenital contractural arachnodactyly. Last evaluated: 2026-01-20. Review status: criteria provided, single submitter. Criteria: Invitae Variant Classification Sherloc (09022015). Collection method: clinical testing. Allele origin: germline.

Women's Health and Genetics/Laboratory Corporation of America, LabCorp
Classification: Likely benign. Last evaluated: 2023-07-21. Review status: criteria provided, single submitter. Criteria: LabCorp Variant Classification Summary - May 2015. Collection method: clinical testing. Allele origin: germline.

Ambry Genetics
Classification: Likely benign for Familial thoracic aortic aneurysm and aortic dissection. Last evaluated: 2018-05-24. Review status: criteria provided, single submitter. Criteria: Ambry Variant Classification Scheme 2023. Collection method: clinical testing. Allele origin: germline.

Illumina Laboratory Services, Illumina
Classification: Benign for Congenital contractural arachnodactyly. Last evaluated: 2018-01-12. Review status: criteria provided, single submitter. Criteria: ICSL Variant Classification Criteria 13 December 2019. Collection method: clinical testing. Allele origin: germline.
Comment: This variant was observed in the ICSL laboratory as part of a predisposition screen in an ostensibly healthy population. It had not been previously curated by ICSL or reported in the Human Gene Mutation Database (HGMD: prior to June 1st, 2018), and was therefore a candidate for classification through an automated scoring system. Utilizing variant allele frequency, disease prevalence and penetrance estimates, and inheritance mode, an automated score was calculated to assess if this variant is too frequent to cause the disease. Based on the score and internal cut-off values, a variant classified as benign is not then subjected to further curation. The score for this variant resulted in a classification of benign for this disease.

Clinical Genetics DNA and cytogenetics Diagnostics Lab, Erasmus MC, Erasmus Medical Center
Classification: Likely benign for Congenital contractural arachnodactyly. Last evaluated: 2017-11-17. Review status: criteria provided, single submitter. Criteria: ACGS Guidelines, 2013. Collection method: clinical testing. Allele origin: germline. Affected: yes. Study: VKGL Data-share Consensus.

GeneDx
Classification: Likely benign. Last evaluated: 2017-03-08. Review status: criteria provided, single submitter. Criteria: GeneDx Variant Classification (06012015). Collection method: clinical testing. Allele origin: germline. Affected: yes.
Comment: This variant is considered likely benign or benign based on one or more of the following criteria: it is a conservative change, it occurs at a poorly conserved position in the protein, it is predicted to be benign by multiple in silico algorithms, and/or has population frequency not consistent with disease.

Eurofins Ntd Llc (ga)
Classification: Uncertain significance. Last evaluated: 2014-09-30. Review status: criteria provided, single submitter. Criteria: EGL Classification Definitions 2015. Collection method: clinical testing. Allele origin: germline. Observed: 1 variant allele, 1 heterozygote.

Genome Diagnostics Laboratory, Amsterdam University Medical Center
Classification: Likely benign for Congenital contractural arachnodactyly. Last evaluated: 2017-01-24. Review status: no assertion criteria provided. Criteria: ACGS Guidelines, 2013. Collection method: clinical testing. Allele origin: germline. Affected: yes. Study: VKGL Data-share Consensus. Not counted in ClinVar's aggregate classification.

Laboratory of Diagnostic Genome Analysis, Leiden University Medical Center (LUMC)
Classification: Likely benign. Review status: no assertion criteria provided. Collection method: clinical testing. Allele origin: germline. Affected: yes. Study: VKGL Data-share Consensus. Not counted in ClinVar's aggregate classification.